The following is an entry in ClinVar:

NM_001194.4(HCN2):c.2516_2536del (p.Arg839_Thr845del)

Gene: HCN2 (hyperpolarization activated cyclic nucleotide gated potassium and sodium channel 2; plus strand). Cytogenetic location: 19p13.3.
Variant type: Deletion.
Coding change: c.2516_2536del on transcript NM_001194.4 (MANE Select); coding-DNA positions 2516 to 2536, 21 bases deleted (GCCCGGCCAGCAGCTCCACAC).
Protein change: p.Arg839_Thr845del.
Molecular consequence: inframe deletion.
Genome position (GRCh38, 1-based): chr19:616,320-616,340, GCCCGGCCAGCAGCTCCACAC deleted; deleting any 21 consecutive bases within chr19:616,312-616,340 gives the same sequence; the c. name uses the placement nearest the transcript's 3' end. VCF-style (leftmost placement, unchanged base first): chr19-616311-CCTCCACACGCCCGGCCAGCAG-C. GRCh37 (hg19) VCF-style: chr19-616311-CCTCCACACGCCCGGCCAGCAG-C.
Identifiers: ClinVar variation 5017172 (VCV005017172.1).

ClinVar aggregate classification (germline): Uncertain significance (1 of 4 stars; one submission).

Submission:

GeneDx
Classification: Uncertain significance. Last evaluated: 2026-03-23. Review status: criteria provided, single submitter. Criteria: GeneDx Variant Classification Process June 2021. Collection method: clinical testing. Allele origin: germline.
Comment: Not observed at significant frequency in large population cohorts (gnomAD); In-frame deletion of 7 amino acid(s) in a non-repeat region; In silico analysis supports a deleterious effect on protein structure/function; Has not been previously published as pathogenic or benign to our knowledge